The following is an entry in ClinVar:

NM_001736.4(C5AR1):c.936del (p.Lys313fs)

Gene: C5AR1 (complement C5a receptor 1; plus strand). Cytogenetic location: 19q13.32.
Variant type: Deletion.
Coding change: c.936del on transcript NM_001736.4 (MANE Select); coding-DNA position 936, one base deleted (G; older notation c.936delG).
Protein change: p.Lys313fs; shifts the reading frame from lysine 313.
Molecular consequence: frameshift variant.
Genome position (GRCh38, 1-based): chr19:47,320,713, G deleted; the last of 2 consecutive G bases (chr19:47,320,712-47,320,713); deleting either gives the same sequence. VCF-style (leftmost placement, unchanged base first): chr19-47320711-CG-C. GRCh37 (hg19) VCF-style: chr19-47823968-CG-C.
Other names: short protein forms K313fs.
Identifiers: ClinVar variation 3032551 (VCV003032551.2), dbSNP rs2514890878, ClinGen allele CA2740096944.

ClinVar aggregate classification (germline): Uncertain significance (0 of 4 stars; one submission).

Conditions:
C5AR1-related disorder. Also called: C5AR1-related condition.

Submission:

PreventionGenetics, part of Exact Sciences
Classification: Uncertain significance for C5AR1-related condition. Last evaluated: 2023-11-03. Review status: no assertion criteria provided. Collection method: clinical testing. Allele origin: germline.
Comment: The C5AR1 c.936delG variant is predicted to result in a frameshift and premature protein termination (p.Lys313Asnfs*11). To our knowledge, this variant has not been reported in the literature or in a large population database, indicating this variant is rare. At this time, the clinical significance of this variant is uncertain due to the absence of conclusive functional and genetic evidence.